The following is an entry in ClinVar:

NM_032119.4(ADGRV1):c.6620A>T (p.Asn2207Ile)

Gene: ADGRV1 (adhesion G protein-coupled receptor V1; plus strand). Cytogenetic location: 5q14.3.
Variant type: single nucleotide variant.
Coding change: c.6620A>T on transcript NM_032119.4 (MANE Select); coding-DNA position 6620, A replaced by T.
Protein change: p.Asn2207Ile; replaces asparagine 2207 with isoleucine.
Molecular consequence: missense variant. On other transcripts: non-coding transcript variant (1).
Genome position (GRCh38, 1-based): chr5:90,689,990, A>T. VCF-style: chr5-90689990-A-T. GRCh37 (hg19) VCF-style: chr5-89985807-A-T.
Other names: short protein forms N2207I.
Identifiers: ClinVar variation 4018139 (VCV004018139.3).
Genomic context (GRCh38, chr5:90,689,990, plus strand): 5'-TATATGTCATTAATGATATCTATCCTGAACTGGAAGAATCTTTTCTTGTGCAACTGATGA[A>T]TGAAACAACAGGAGGAGCCAGACTAGGGGCTTTAACAGAGGCAGTCATTATTATTGAGGC-3'
Protein context (NP_115495.3, residues 2197-2217): LEESFLVQLM[Asn2207Ile]ETTGGARLGA

ClinVar aggregate classification (germline): Uncertain significance. Review status: criteria provided, multiple submitters, no conflicts (2 of 4 stars). 3 submissions from 3 submitters: Uncertain significance (3). Last evaluated 2025-04-29.

Conditions:
Inborn genetic diseases. Identifiers: MedGen C0950123, MeSH D030342.
ADGRV1-related disorder. Also called: ADGRV1-related disorders; ADGRV1-related condition.

gnomAD v4.1: 3 of 1,607,976 alleles (0.00019%); highest among the groups gnomAD compares: African/African-American, 0.0027%; no homozygotes.

Submissions (3):

Ambry Genetics
Classification: Uncertain significance for Inborn genetic diseases. Last evaluated: 2025-04-29. Review status: criteria provided, single submitter. Criteria: Ambry Variant Classification Scheme 2023. Collection method: clinical testing. Allele origin: germline.

PreventionGenetics, part of Exact Sciences
Classification: Uncertain significance for ADGRV1-related condition. Last evaluated: 2024-10-29. Review status: criteria provided, single submitter. Criteria: ACMG Guidelines, 2015. Collection method: clinical testing. Allele origin: germline.
Comment: The ADGRV1 c.6620A>T variant is predicted to result in the amino acid substitution p.Asn2207Ile. To our knowledge, this variant has not been reported in the literature or in a large population database (gnomAD), indicating this variant is rare. At this time, the clinical significance of this variant is uncertain due to the absence of conclusive functional and genetic evidence.

Blueprint Genetics
Classification: Uncertain significance. Last evaluated: 2024-08-13. Review status: criteria provided, single submitter. Criteria: ACMG Guidelines, 2015. Collection method: clinical testing. Allele origin: germline.